The following is an entry in ClinVar:

ClinVar aggregate classification (germline): Uncertain significance. Review status: criteria provided, multiple submitters, no conflicts (2 of 4 stars). 3 submissions from 3 submitters: Uncertain significance (3). Last evaluated 2024-10-15.

Conditions:
Emery-Dreifuss muscular dystrophy 4, autosomal dominant (EDMD4). Also called: EMERY-DREIFUSS MUSCULAR DYSTROPHY 4 WITH VARIABLE FEATURES. Identifiers: Orphanet 261, MedGen C2751807, MONDO:0013071, OMIM 612998.
Autosomal recessive ataxia, Beauce type. Also called: SYNE1 Deficiency; Spinocerebellar ataxia, autosomal recessive 8; ATAXIA, RECESSIVE, OF BEAUCE; SYNE1-Related Autosomal Recessive Cerebellar Ataxia. Identifiers: Orphanet 88644, MedGen C1853116, MONDO:0012549, OMIM 610743.

Allele frequency attached by ClinVar (database versions not stated): gnomAD 0.00001 and 0.00002; TOPMed 0.00002.
gnomAD v4.1: 34 of 1,614,018 alleles (0.0021%); highest among the groups gnomAD compares: Non-Finnish European, 0.0028%; no homozygotes.

Submissions (3):

Labcorp Genetics (formerly Invitae), Labcorp
Classification: Uncertain significance for Emery-Dreifuss muscular dystrophy 4, autosomal dominant; Autosomal recessive ataxia, Beauce type. Last evaluated: 2024-10-15. Review status: criteria provided, single submitter. Criteria: Invitae Variant Classification Sherloc (09022015). Collection method: clinical testing. Allele origin: germline.
Comment: This sequence change replaces threonine, which is neutral and polar, with alanine, which is neutral and non-polar, at codon 7317 of the SYNE1 protein (p.Thr7317Ala). This variant is present in population databases (no rsID available, gnomAD 0.007%). This variant has not been reported in the literature in individuals affected with SYNE1-related conditions. ClinVar contains an entry for this variant (Variation ID: 501298). An algorithm developed to predict the effect of missense changes on protein structure and function (PolyPhen-2) suggests that this variant is likely to be tolerated. In summary, the available evidence is currently insufficient to determine the role of this variant in disease. Therefore, it has been classified as a Variant of Uncertain Significance.

Eurofins Ntd Llc (ga)
Classification: Uncertain significance. Last evaluated: 2017-04-12. Review status: criteria provided, single submitter. Criteria: EGL Classification Definitions 2015. Collection method: clinical testing. Allele origin: germline. Observed: 1 variant allele, 1 heterozygote.

Breakthrough Genomics
Classification: Uncertain significance. Review status: criteria provided, single submitter. Criteria: ACMG Guidelines, 2015. Collection method: not provided. Allele origin: germline. Inheritance: Autosomal recessive inheritance. Affected: yes.

NM_182961.4(SYNE1):c.22162A>G (p.Thr7388Ala)

Gene: SYNE1 (spectrin repeat containing nuclear envelope protein 1; minus strand). Cytogenetic location: 6q25.2.
Variant type: single nucleotide variant.
Coding change: c.22162A>G on transcript NM_182961.4 (MANE Select); coding-DNA position 22162, A replaced by G.
Protein change: p.Thr7388Ala; replaces threonine 7388 with alanine.
Molecular consequence: missense variant.
Genome position (GRCh38, 1-based): chr6:152,218,286, T>C on the plus strand (A>G on the coding strand, the complement: SYNE1 is on the minus strand). VCF-style: chr6-152218286-T-C. GRCh37 (hg19) VCF-style: chr6-152539421-T-C.
Other names: c.21949A>G, p.Thr7317Ala (NM_033071.5); short protein forms T7317A, T7388A.
Identifiers: ClinVar variation 501298 (VCV000501298.10), dbSNP rs1386701721, ClinGen allele CA366102320.
Genomic context (GRCh38, chr6:152,218,286, plus strand): 5'-AGATCTGGGACTCAGATTTGAACACACTTACCTTAAGTTCTTCCATCCTTTCCTGGATTG[T>C]GGAGAGGTCAGATGAGTGGCTAGGGTCCTGCCCTTGTAGTATTTCTTCAGCTTCCACTAT-3'
Protein context (NP_892006.3, residues 7378-7398): QDPSHSSDLS[Thr7388Ala]IQERMEELKG